The following is an entry in ClinVar:

ClinVar aggregate classification (germline): Conflicting classifications of pathogenicity. Review status: criteria provided, conflicting classifications (1 of 4 stars). 3 submissions from 3 submitters: Uncertain significance (1); Likely benign (2). Last evaluated 2023-05-30.

Conditions:
Hereditary cancer-predisposing syndrome. Also called: Hereditary Cancer Syndrome; Neoplastic Syndromes, Hereditary; Tumor predisposition; Hereditary neoplastic syndrome. Identifiers: Orphanet 140162, MedGen C0027672, MeSH D009386, MONDO:0015356.
Hereditary breast ovarian cancer syndrome. Also called: Hereditary breast and ovarian cancer syndrome; Hereditary breast and ovarian cancer; Hereditary breast and ovarian cancer syndrome (HBOC); Breast and ovarian cancer; Hereditary breast and/or ovarian cancer syndrome; BRCA1- and BRCA2-Associated Hereditary Breast and Ovarian Cancer. Identifiers: Orphanet 145, MedGen C0677776, MeSH D061325, MONDO:0003582. Disease mechanism: loss of function.

Submissions (3):

Labcorp Genetics (formerly Invitae), Labcorp
Classification: Uncertain significance for Hereditary breast ovarian cancer syndrome. Last evaluated: 2023-05-30. Review status: criteria provided, single submitter. Criteria: Invitae Variant Classification Sherloc (09022015). Collection method: clinical testing. Allele origin: germline.
Comment: This variant is not present in population databases (gnomAD no frequency). ClinVar contains an entry for this variant (Variation ID: 480977). This variant has not been reported in the literature in individuals affected with BRCA1-related conditions. This sequence change replaces arginine, which is basic and polar, with leucine, which is neutral and non-polar, at codon 496 of the BRCA1 protein (p.Arg496Leu). Advanced modeling of protein sequence and biophysical properties (such as structural, functional, and spatial information, amino acid conservation, physicochemical variation, residue mobility, and thermodynamic stability) performed at Invitae indicates that this missense variant is not expected to disrupt BRCA1 protein function. In summary, the available evidence is currently insufficient to determine the role of this variant in disease. Therefore, it has been classified as a Variant of Uncertain Significance.

University of Washington Department of Laboratory Medicine, University of Washington
Classification: Likely benign for Hereditary cancer-predisposing syndrome. Last evaluated: 2023-03-23. Review status: criteria provided, single submitter. Criteria: Dines et al. (Genet Med. 2020). Collection method: curation. Allele origin: germline.
Comment: Missense variant in a coldspot region where missense variants are very unlikely to be pathogenic (PMID:31911673).

BRCA1 coldspot (exon 11 using historical exon numbering). Reclassification based on statistical prior probability

Ambry Genetics
Classification: Likely benign for Hereditary cancer-predisposing syndrome. Last evaluated: 2016-08-25. Review status: criteria provided, single submitter. Criteria: Ambry Variant Classification Scheme 2023. Collection method: clinical testing. Allele origin: germline.

NM_007294.4(BRCA1):c.1487G>T (p.Arg496Leu)

Gene: BRCA1 (BRCA1 DNA repair associated; minus strand). Cytogenetic location: 17q21.31.
Variant type: single nucleotide variant.
Coding change: c.1487G>T on transcript NM_007294.4 (MANE Select); coding-DNA position 1487, G replaced by T.
Protein change: p.Arg496Leu; replaces arginine 496 with leucine.
Molecular consequence: missense variant. On other transcripts: intron variant (137).
Genome position (GRCh38, 1-based): chr17:43,094,044, C>A on the plus strand (G>T on the coding strand, the complement: BRCA1 is on the minus strand). VCF-style: chr17-43094044-C-A. GRCh37 (hg19) VCF-style: chr17-41246061-C-A.
Other names: c.787+700G>T (NM_001407969.1, NM_001407968.1, NM_001407973.1 and 19 more transcripts); c.577+700G>T (NM_001408492.1, NM_001408513.1, NM_001408489.1 and 9 more transcripts); c.643+700G>T (NM_001408468.1, NM_001408465.1, NM_001408463.1 and 3 more transcripts); c.523+700G>T (NM_001408501.1, NM_001408500.1, NM_001408497.1 and 3 more transcripts); c.646+700G>T (NM_001408455.1, NM_001408466.1, NM_001408452.1 and 11 more transcripts); c.520+700G>T (NM_001408503.1, NM_001408505.1, NM_001408504.1); c.404-3012G>T (NM_001408511.1); c.460+1802G>T (NM_001408507.1, NM_001408506.1); and 40 more; short protein forms R496L, R449L, R328L, R368L, R384L, R469L, R470L, R408L.
Identifiers: ClinVar variation 480977 (VCV000480977.16), dbSNP rs28897677, ClinGen allele CA10599071.